The following is an entry in ClinVar:

ClinVar aggregate classification (germline): Uncertain significance (1 of 4 stars; one submission).

Conditions:
Hereditary cancer-predisposing syndrome. Also called: Neoplastic Syndromes, Hereditary; Hereditary neoplastic syndrome; Tumor predisposition; Hereditary Cancer Syndrome. Identifiers: Orphanet 140162, MedGen C0027672, MeSH D009386, MONDO:0015356.

Submission:

Ambry Genetics
Classification: Uncertain significance for Hereditary cancer-predisposing syndrome. Last evaluated: 2026-02-02. Review status: criteria provided, single submitter. Criteria: Ambry Variant Classification Scheme 2023. Collection method: clinical testing. Allele origin: germline.
Comment: The p.V434A variant (also known as c.1301T>C), located in coding exon 11 of the CHEK2 gene, results from a T to C substitution at nucleotide position 1301. The valine at codon 434 is replaced by alanine, an amino acid with similar properties. This amino acid position is well conserved in available vertebrate species. In addition, this alteration is predicted to be tolerated by in silico analysis. Based on the available evidence, the clinical significance of this variant remains unclear.

NM_007194.4(CHEK2):c.1301T>C (p.Val434Ala)

Gene: CHEK2 (checkpoint kinase 2; minus strand). Cytogenetic location: 22q12.1.
Variant type: single nucleotide variant.
Coding change: c.1301T>C on transcript NM_007194.4 (MANE Select); coding-DNA position 1301, T replaced by C.
Protein change: p.Val434Ala; replaces valine 434 with alanine.
Molecular consequence: missense variant.
Genome position (GRCh38, 1-based): chr22:28,695,201, A>G on the plus strand (T>C on the coding strand, the complement: CHEK2 is on the minus strand). VCF-style: chr22-28695201-A-G. GRCh37 (hg19) VCF-style: chr22-29091189-A-G.
Other names: c.1430T>C, p.Val477Ala (NM_001005735.3); c.638T>C, p.Val213Ala (NM_001257387.3, NM_001437942.1); c.1100T>C, p.Val367Ala (NM_001349956.3); c.1394T>C, p.Val465Ala (NM_001438293.1); c.1343T>C, p.Val448Ala (NM_001438294.1); c.1307T>C, p.Val436Ala (NM_001438295.1); c.1214T>C, p.Val405Ala (NM_145862.3); short protein forms V213A, V367A, V448A, V465A, V477A, V405A, V434A, V436A.
Identifiers: ClinVar variation 4824794 (VCV004824794.1).